The following is an entry in ClinVar:

ClinVar aggregate classification (germline): Pathogenic/Likely pathogenic. Review status: criteria provided, multiple submitters, no conflicts (2 of 4 stars). 11 submissions from 11 submitters: Pathogenic (2); Likely pathogenic (9). Last evaluated 2026-06-19.

Conditions:
Autosomal recessive spastic paraplegia type 78. Identifiers: Orphanet 513436, MedGen C5567893, MONDO:0014975, OMIM 617225.
Kufor-Rakeb syndrome (KRS). Also called: PARKINSON DISEASE 9, AUTOSOMAL RECESSIVE, JUVENILE-ONSET. Identifiers: Orphanet 306674, Orphanet 314632, MedGen C1847640, MONDO:0011706, OMIM 606693.
Neurodegeneration with brain iron accumulation (NBIA). Identifiers: Orphanet 385, MedGen C2931845, MONDO:0018307.
ATP13A2-related disorder. Also called: ATP13A2-related disorders; ATP13A2-related condition.
Inborn genetic diseases. Identifiers: MedGen C0950123, MeSH D030342.

Allele frequency attached by ClinVar (database versions not stated): ExAC 0.00005; gnomAD exomes 0.00006 and 0.00008; gnomAD 0.00009; TOPMed 0.00011.
gnomAD v4.1: 129 of 1,613,836 alleles (0.008%); highest among the groups gnomAD compares: Non-Finnish European, 0.011%; no homozygotes.

Submissions (11):

Women's Health and Genetics/Laboratory Corporation of America, LabCorp
Classification: Likely pathogenic for Neurodegeneration with brain iron accumulation. Last evaluated: 2026-06-19. Review status: criteria provided, single submitter. Criteria: LabCorp Variant Classification Summary - May 2015. Collection method: clinical testing. Allele origin: germline.
Comment: Variant summary: ATP13A2 c.477+2T>G is located in a canonical splice-site and is predicted to affect mRNA splicing resulting in a significantly altered protein due to either exon skipping, shortening, or inclusion of intronic material. Variants that disrupt the consensus splice site are a relatively common cause of aberrant splicing and loss of ATP13A2 function. Several computational tools predict a significant impact on normal splicing: Four predict the variant abolishes a 5 splicing donor site. However, these predictions have yet to be confirmed by functional studies. The variant allele was found at a frequency of 5.6e-05 in 251282 control chromosomes. This frequency is not significantly higher than estimated for disease-causing variants in ATP13A2, allowing no conclusion about variant significance. To our knowledge, no occurrence of c.477+2T>G in individuals affected with ATP13A2-related conditions and no experimental evidence demonstrating its impact on protein function have been reported. ClinVar contains an entry for this variant (Variation ID: 546591). Based on the evidence outlined above, the variant was classified as likely pathogenic.

GeneDx
Classification: Likely pathogenic. Last evaluated: 2025-09-19. Review status: criteria provided, single submitter. Criteria: GeneDx Variant Classification Process June 2021. Collection method: clinical testing. Allele origin: germline.
Comment: Canonical splice site variant predicted to result in a null allele in a gene for which loss of function is a known mechanism of disease; Not observed at significant frequency in large population cohorts (gnomAD); Has not been previously published as a pathogenic or benign germline variant to our knowledge; This variant is associated with the following publications: (PMID: 29245897)

Labcorp Genetics (formerly Invitae), Labcorp
Classification: Likely pathogenic for Kufor-Rakeb syndrome; Autosomal recessive spastic paraplegia type 78. Last evaluated: 2025-05-18. Review status: criteria provided, single submitter. Criteria: Invitae Variant Classification Sherloc (09022015). Collection method: clinical testing. Allele origin: germline.
Comment: This sequence change affects a donor splice site in intron 5 of the ATP13A2 gene. It is expected to disrupt RNA splicing. Variants that disrupt the donor or acceptor splice site typically lead to a loss of protein function (PMID: 16199547), and loss-of-function variants in ATP13A2 are known to be pathogenic (PMID: 16964263, 21696388). This variant is present in population databases (rs758014228, gnomAD 0.02%). This variant has not been reported in the literature in individuals affected with ATP13A2-related conditions. ClinVar contains an entry for this variant (Variation ID: 546591). Algorithms developed to predict the effect of sequence changes on RNA splicing suggest that this variant may disrupt the consensus splice site. In summary, the currently available evidence indicates that the variant is pathogenic, but additional data are needed to prove that conclusively. Therefore, this variant has been classified as Likely Pathogenic.

Blueprint Genetics
Classification: Likely pathogenic for ATP13A2-related disorders. Last evaluated: 2024-08-29. Review status: criteria provided, single submitter. Criteria: ACMG Guidelines, 2015. Collection method: clinical testing. Allele origin: germline. Affected: yes. Observed: 5 variant alleles.

Fulgent Genetics
Classification: Likely pathogenic for Kufor-Rakeb syndrome; Autosomal recessive spastic paraplegia type 78. Last evaluated: 2024-03-15. Review status: criteria provided, single submitter. Criteria: ACMG Guidelines, 2015. Collection method: clinical testing. Allele origin: germline.

Institute of Human Genetics Munich, TUM University Hospital
Classification: Pathogenic for Autosomal recessive spastic paraplegia type 78. Last evaluated: 2023-07-21. Review status: criteria provided, single submitter. Criteria: Classification criteria August 2017. Collection method: clinical testing. Allele origin: paternal. Inheritance: Autosomal recessive inheritance. Affected: yes. Observed: 1 variant allele.

AiLife Diagnostics
Classification: Likely pathogenic. Last evaluated: 2021-08-20. Review status: criteria provided, single submitter. Criteria: ACMG Guidelines, 2015. Collection method: clinical testing. Allele origin: germline. Affected: yes. Observed: 1 variant allele.

Athena Diagnostics
Classification: Likely pathogenic. Last evaluated: 2020-12-28. Review status: criteria provided, single submitter. Criteria: Athena Diagnostics Criteria. Collection method: clinical testing. Allele origin: unknown.
Comment: The variant disrupts a canonical splice site, and is therefore predicted to result in the loss of a functional protein. The frequency of this variant in the general population is consistent with pathogenicity.

Revvity Omics, Revvity
Classification: Pathogenic. Last evaluated: 2019-08-27. Review status: criteria provided, single submitter. Criteria: ACMG Guidelines, 2015. Collection method: clinical testing. Allele origin: germline.

CeGaT Center for Human Genetics Tuebingen
Classification: Likely pathogenic. Last evaluated: 2018-02-01. Review status: criteria provided, single submitter. Criteria: CeGaT Center For Human Genetics Tuebingen Variant Classification Criteria Version 2. Collection method: clinical testing. Allele origin: germline. Affected: yes. Observed: 1 variant allele.

Ambry Genetics
Classification: Likely pathogenic for Inborn genetic diseases. Last evaluated: 2018-01-26. Review status: criteria provided, single submitter. Criteria: Ambry Variant Classification Scheme 2023. Collection method: clinical testing. Allele origin: germline.
Comment: The c.477+2T>G intronic variant results from a T to G substitution two nucleotides after coding exon 5 in the ATP13A2 gene. This nucleotide position is well conserved in available vertebrate species. Using the BDGP and ESEfinder splice site prediction tools, this alteration is predicted to abolish the native splice donor site; however, direct evidence is unavailable. Alterations that disrupt the canonical splice site are expected to cause aberrant splicing, resulting in an abnormal protein or a transcript that is subject to nonsense-mediated mRNA decay. As such, this alteration is classified as likely pathogenic.

Literature cited by the submitters: PubMed 16199547 (cited by Labcorp Genetics (formerly Invitae), Labcorp); PubMed 16964263 (cited by Labcorp Genetics (formerly Invitae), Labcorp); PubMed 21696388 (cited by Labcorp Genetics (formerly Invitae), Labcorp).

NM_022089.4(ATP13A2):c.477+2T>G

Gene: ATP13A2 (ATPase cation transporting 13A2; minus strand). Cytogenetic location: 1p36.13.
Variant type: single nucleotide variant.
Coding change: c.477+2T>G on transcript NM_022089.4 (MANE Select); the canonical splice donor site of the intron after coding-DNA position 477, T replaced by G.
Molecular consequence: splice donor variant. On other transcripts: intron variant (2).
Genome position (GRCh38, 1-based): chr1:17,004,690, A>C on the plus strand (T>G on the coding strand, the complement: ATP13A2 is on the minus strand). VCF-style: chr1-17004690-A-C. GRCh37 (hg19) VCF-style: chr1-17331185-A-C.
Other names: c.462+17T>G (NM_001141974.3, NM_001141973.3).
Identifiers: ClinVar variation 546591 (VCV000546591.60), dbSNP rs758014228, ClinGen allele CA637638.